The following is an entry in ClinVar:

NM_138420.4(AHNAK2):c.8421A>T (p.Thr2807=)

Gene: AHNAK2 (AHNAK nucleoprotein 2; minus strand). Cytogenetic location: 14q32.33.
Variant type: single nucleotide variant.
Coding change: c.8421A>T on transcript NM_138420.4 (MANE Select); coding-DNA position 8421, A replaced by T.
Protein change: p.Thr2807=; no amino-acid change (threonine 2807 retained).
Molecular consequence: synonymous variant.
Genome position (GRCh38, 1-based): chr14:104,947,030, T>A on the plus strand (A>T on the coding strand, the complement: AHNAK2 is on the minus strand). VCF-style: chr14-104947030-T-A. GRCh37 (hg19) VCF-style: chr14-105413367-T-A.
Other names: c.8121A>T, p.Thr2707= (NM_001350929.2).
Identifiers: ClinVar variation 4871962 (VCV004871962.2).
Genomic context (GRCh38, chr14:104,947,030, plus strand): 5'-GGCCGACACCCCGAATGACGGCATCTTGAACTTGGGCATTTTGAACTTGCTGTCTTTGGC[T>A]GTCATGCCCTTGTCGGCCAGGGACAGGTCCCCCTCCAGCCGCGCACCATCCAGCTTTGCT-3'
Protein context (NP_612429.2, residues 2797-2817): GDLSLADKGM[Thr2807=]AKDSKFKMPK

ClinVar aggregate classification (germline): Likely benign (1 of 4 stars; one submission).

gnomAD v4.1: 422 of 1,610,312 alleles (0.026%); highest among the groups gnomAD compares: Middle Eastern, 0.17%; 4 homozygotes.

Submission:

CeGaT Center for Human Genetics Tuebingen
Classification: Likely benign. Last evaluated: 2026-04-01. Review status: criteria provided, single submitter. Criteria: CeGaT Center For Human Genetics Tuebingen Variant Classification Criteria Version 2. Collection method: clinical testing. Allele origin: germline. Affected: yes. Observed: 1 variant allele.
Comment: AHNAK2: BP4, BP7